The following is an entry in ClinVar:

ClinVar aggregate classification (germline): Likely benign (1 of 4 stars; one submission).

Allele frequency attached by ClinVar (database versions not stated): TOPMed 0.00002; gnomAD 0.00001.
gnomAD v4.1: 24 of 1,171,098 alleles (0.002%); highest among the groups gnomAD compares: Non-Finnish European, 0.0023%; no homozygotes.

Submission:

GeneDx
Classification: Likely benign. Last evaluated: 2017-06-15. Review status: criteria provided, single submitter. Criteria: GeneDx Variant Classification (06012015). Collection method: clinical testing. Allele origin: germline. Affected: yes.
Comment: This variant is considered likely benign or benign based on one or more of the following criteria: it is a conservative change, it occurs at a poorly conserved position in the protein, it is predicted to be benign by multiple in silico algorithms, and/or has population frequency not consistent with disease.

NM_003098.3(SNTA1):c.-32G>A

Genes: SNTA1 (syntrophin alpha 1; minus strand), LOC130065680 (ATAC-STARR-seq lymphoblastoid silent region 12812; plus strand). Cytogenetic location: 20q11.21.
Variant type: single nucleotide variant.
Coding change: c.-32G>A on transcript NM_003098.3 (MANE Select); 32 bases upstream of the start codon, G replaced by A.
Molecular consequence: 5 prime UTR variant.
Genome position (GRCh38, 1-based): chr20:33,443,652, C>T on the plus strand (G>A on the coding strand, the complement: SNTA1 is on the minus strand). VCF-style: chr20-33443652-C-T. GRCh37 (hg19) VCF-style: chr20-32031458-C-T.
Identifiers: ClinVar variation 516680 (VCV000516680.1), dbSNP rs935897258, ClinGen allele CA313279181.